The following is an entry in ClinVar:

NM_014283.5(SUCO):c.1420G>A (p.Asp474Asn)

Gene: SUCO (SUN domain containing ossification factor; plus strand). Cytogenetic location: 1q24.3.
Variant type: single nucleotide variant.
Coding change: c.1420G>A on transcript NM_014283.5 (MANE Select); coding-DNA position 1420, G replaced by A.
Protein change: p.Asp474Asn; replaces aspartic acid 474 with asparagine.
Molecular consequence: missense variant. On other transcripts: 5 prime UTR variant (1).
Genome position (GRCh38, 1-based): chr1:172,578,377, G>A. VCF-style: chr1-172578377-G-A. GRCh37 (hg19) VCF-style: chr1-172547517-G-A.
Other names: c.1309G>A, p.Asp437Asn (NM_001282750.2); c.-110G>A (NM_001282751.2); c.1873G>A, p.Asp625Asn (NM_016227.4); c.1420G>A (NM_014283.3); short protein forms D437N, D474N, D625N.
Identifiers: ClinVar variation 2201185 (VCV002201185.6), dbSNP rs754473185, ClinGen allele CA1246859.
Genomic context (GRCh38, chr1:172,578,377, plus strand): 5'-GTGGAAGAATATGAAGAAATTGCTGATTCCCAGTATCACTCAGAACGCCAGGAACTATTT[G>A]ATGAGGACTATGGTAAGTGACATCAAACAGATGACTGTTAGGTATATTTTTTTTACTTTT-3'
Protein context (NP_055098.1, residues 464-484): QYHSERQELF[Asp474Asn]EDYDYPLDYN

ClinVar aggregate classification (germline): Uncertain significance. Review status: criteria provided, multiple submitters, no conflicts (2 of 4 stars). 2 submissions from 2 submitters: Uncertain significance (2). Last evaluated 2025-06-20.

Allele frequency attached by ClinVar (database versions not stated): ExAC 0.00002; gnomAD exomes 0.00003; gnomAD 0.00004.
gnomAD v4.1: 42 of 1,611,848 alleles (0.0026%); highest among the groups gnomAD compares: Admixed American, 0.0083%; no homozygotes.

Submissions (2):

Labcorp Genetics (formerly Invitae), Labcorp
Classification: Uncertain significance. Last evaluated: 2025-06-20. Review status: criteria provided, single submitter. Criteria: Invitae Variant Classification Sherloc (09022015). Collection method: clinical testing. Allele origin: germline.
Comment: This sequence change replaces aspartic acid, which is acidic and polar, with asparagine, which is neutral and polar, at codon 474 of the SUCO protein (p.Asp474Asn). This variant is present in population databases (rs754473185, gnomAD 0.006%). This variant has not been reported in the literature in individuals affected with SUCO-related conditions. ClinVar contains an entry for this variant (Variation ID: 2201185). An algorithm developed to predict the effect of missense changes on protein structure and function (PolyPhen-2) suggests that this variant is likely to be disruptive. In summary, the available evidence is currently insufficient to determine the role of this variant in disease. Therefore, it has been classified as a Variant of Uncertain Significance.

Ambry Genetics
Classification: Uncertain significance. Last evaluated: 2024-05-20. Review status: criteria provided, single submitter. Criteria: Ambry Variant Classification Scheme 2023. Collection method: clinical testing. Allele origin: germline.